The following is an entry in ClinVar:

NM_004260.4(RECQL4):c.413C>A (p.Ser138Tyr)

Gene: RECQL4 (RecQ like helicase 4; minus strand). Cytogenetic location: 8q24.3.
Variant type: single nucleotide variant.
Coding change: c.413C>A on transcript NM_004260.4 (MANE Select); coding-DNA position 413, C replaced by A.
Protein change: p.Ser138Tyr; replaces serine 138 with tyrosine.
Molecular consequence: missense variant. On other transcripts: 5 prime UTR variant (13), non-coding transcript variant (3), intron variant (5).
Genome position (GRCh38, 1-based): chr8:144,516,706, G>T on the plus strand (C>A on the coding strand, the complement: RECQL4 is on the minus strand). VCF-style: chr8-144516706-G-T. GRCh37 (hg19) VCF-style: chr8-145742090-G-T.
Other names: c.413C>A, p.Ser138Tyr (NM_001413017.1, NM_001413018.1, NM_001413019.1 and 4 more transcripts); c.-659C>A (NM_001413022.1, NM_001413023.1, NM_001413037.1 and 3 more transcripts); c.284C>A, p.Ser95Tyr (NM_001413025.1); c.-721C>A (NM_001413027.1, NM_001413030.1, NM_001413031.1 and 1 more transcripts); c.-384C>A (NM_001413028.1); c.-563C>A (NM_001413034.1); c.-928C>A (NM_001413043.1); c.355-293C>A (NM_001413029.1); and 3 more; short protein forms S138Y, S95Y.
Identifiers: ClinVar variation 4152438 (VCV004152438.1).

ClinVar aggregate classification (germline): Uncertain significance (1 of 4 stars; one submission).

Conditions:
Inborn genetic diseases. Identifiers: MedGen C0950123, MeSH D030342.

Submission:

Ambry Genetics
Classification: Uncertain significance for Inborn genetic diseases. Last evaluated: 2025-09-04. Review status: criteria provided, single submitter. Criteria: Ambry Variant Classification Scheme 2023. Collection method: clinical testing. Allele origin: germline.
Comment: The p.S138Y variant (also known as c.413C>A), located in coding exon 5 of the RECQL4 gene, results from a C to A substitution at nucleotide position 413. The serine at codon 138 is replaced by tyrosine, an amino acid with dissimilar properties. This amino acid position is conserved. In addition, this alteration is predicted to be tolerated by in silico analysis. Based on the available evidence, the clinical significance of this variant remains unclear.